The following is an entry in ClinVar:

NM_017514.5(PLXNA3):c.1493C>T (p.Ala498Val)

Gene: PLXNA3 (plexin A3; plus strand). Cytogenetic location: Xq28.
Variant type: single nucleotide variant.
Coding change: c.1493C>T on transcript NM_017514.5 (MANE Select); coding-DNA position 1493, C replaced by T.
Protein change: p.Ala498Val; replaces alanine 498 with valine.
Molecular consequence: missense variant.
Genome position (GRCh38, 1-based): chrX:154,463,636, C>T. VCF-style: chrX-154463636-C-T. GRCh37 (hg19) VCF-style: chrX-153691979-C-T.
Other names: c.1493C>T (NM_017514.3); short protein forms A498V.
Identifiers: ClinVar variation 3036027 (VCV003036027.3), dbSNP rs782708120, ClinGen allele CA10564057.
Genomic context (GRCh38, chrX:154,463,636, plus strand): 5'-GTGGCTGTCCCCAGGTGAGCCAGCTCCCGGTGGAGACCTGTGAGCAGTACCAGAGCTGCG[C>T]AGCCTGCCTGGGCTCCGGGGACCCGCACTGTGGTTGGTGTGTGCTGCGACACAGGTGAGG-3'
Protein context (NP_059984.3, residues 488-508): VETCEQYQSC[Ala498Val]ACLGSGDPHC

ClinVar aggregate classification (germline): Uncertain significance. Review status: criteria provided, single submitter (1 of 4 stars). 2 submissions from 2 submitters: Uncertain significance (1). 1 of the submissions does not count toward it. Last evaluated 2023-11-04.

Conditions:
PLXNA3-related disorder. Also called: PLXNA3-related condition.

Allele frequency attached by ClinVar (database versions not stated): ExAC 0.00002; gnomAD exomes 0.00006; 1000 Genomes Project 30x 0.00021; 1000 Genomes Project 0.00026; gnomAD 0.00031; TOPMed 0.00032.

Submissions (2):

Ambry Genetics
Classification: Uncertain significance. Last evaluated: 2023-11-04. Review status: criteria provided, single submitter. Criteria: Ambry Variant Classification Scheme 2023. Collection method: clinical testing. Allele origin: germline.

PreventionGenetics, part of Exact Sciences
Classification: Likely benign for PLXNA3-related condition. Last evaluated: 2022-05-25. Review status: no assertion criteria provided. Collection method: clinical testing. Allele origin: germline. Not counted in ClinVar's aggregate classification.
Comment: This variant is classified as likely benign based on ACMG/AMP sequence variant interpretation guidelines (Richards et al. 2015 PMID: 25741868, with internal and published modifications).